The following is an entry in ClinVar:

ClinVar aggregate classification (germline): Pathogenic; drug response. Review status: reviewed by expert panel (3 of 4 stars). 33 submissions from 31 submitters: Pathogenic (1). 31 of the submissions do not count toward it. Last evaluated 2021-03-24.

Conditions:
Cystic fibrosis diagnostic test.
CFTR-related disorder (CFTR-RD). Also called: CFTR-related condition; CFTR-related disorders. Identifiers: MedGen C5924204, MONDO:7770004.
Cystic fibrosis (CF). Also called: MUCOVISCIDOSIS. Identifiers: Orphanet 586, MedGen C0010674, MONDO:0009061, OMIM 219700. Disease mechanism: loss of function.
Congenital bilateral aplasia of vas deferens from CFTR mutation (CBAVD). Identifiers: Orphanet 48, MedGen C0403814, MONDO:0010178, OMIM 277180. Disease mechanism: loss of function.
Bronchiectasis with or without elevated sweat chloride 1 (BESC1). Also called: Cystic Fibrosis-Like Syndrome. Identifiers: Orphanet 60033, MedGen C2749757, MONDO:0008887, OMIM 211400.
Hereditary pancreatitis (PCTT). Also called: Hereditary chronic pancreatitis; PRSS1-Related Hereditary Pancreatitis. Identifiers: Orphanet 676, MedGen C0238339, MONDO:0008185, OMIM 167800.
ivacaftor response - Efficacy. Identifiers: MedGen CN322735.

Allele frequency attached by ClinVar (database versions not stated): ESP Exome Variant Server 0.00008; TOPMed 0.00015.
gnomAD v4.1: 165 of 1,613,580 alleles (0.01%); highest among the groups gnomAD compares: Middle Eastern, 0.033%; no homozygotes.

Submissions 1 to 7 of 33:

ClinPGx
Classification: drug response for ivacaftor response - Efficacy. Last evaluated: 2021-03-24. Review status: reviewed by expert panel. Criteria: Pharmacogenomics knowledge for personalized medicine. Collection method: curation. Allele origin: germline. Affected: yes.
Comment: PharmGKB Level of Evidence 1A: Level 1A clinical annotations describe variant-drug combinations that have variant-specific prescribing guidance available in a current clinical guideline annotation or an FDA-approved drug label annotation. Annotations of drug labels or clinical guidelines must give prescribing guidance for specific variants (e.g. CYP2C9*3, HLA-B*57:01) or provide mapping from defined allele functions to diplotypes and phenotypes to be used as supporting evidence for a level 1A clinical annotation. Level 1A clinical annotations must also be supported by at least one publication in addition to a clinical guideline or drug label with variant-specific prescribing guidance.

Drug is not necessarily used to treat response condition

CFTR2
Classification: Pathogenic for Cystic fibrosis. Last evaluated: 2017-03-17. Review status: reviewed by expert panel. Criteria: Sosnay PR et al. (Nat Genet 2013). Collection method: research. Allele origin: germline. Affected: yes. Study: CFTR2.

PreventionGenetics, part of Exact Sciences
Classification: Pathogenic for CFTR-related condition. Last evaluated: 2026-09-25. Review status: criteria provided, single submitter. Criteria: ACMG Guidelines, 2015. Collection method: clinical testing. Allele origin: germline. Not counted in ClinVar's aggregate classification.
Comment: The CFTR c.349C>T variant is predicted to result in the amino acid substitution p.Arg117Cys. This variant has been reported in the homozygous state or with a second CFTR variant in individuals with cystic fibrosis or other CFTR-related disorders (see, for exmaple: Dörk et al. 1994. PubMed ID: 7525450; Supporting Table S5, Steiner et al. 2011. PubMed ID: 21520337; Supplemental Table 3, McCague et al. 2019. PubMed ID: 30888834). Experimental studies indicate this variant impacts protein function (see, for example: Sosnay et al. 2013. PubMed ID: 23974870; Van Goor et al. 2014. PubMed ID: 23891399; Table S1, Bihler et al. 2024. PubMed ID: 38388235). This variant is reported in 0.037% of alleles in individuals of European (Non-Finnish) descent in gnomAD. This variant is interpreted as pathogenic.

NHS Central & South Genomic Laboratory Hub
Classification: Pathogenic for Cystic fibrosis diagnostic test. Last evaluated: 2026-08-06. Review status: criteria provided, single submitter. Criteria: ACMG Guidelines, 2015. Collection method: clinical testing. Allele origin: germline. Affected: yes. Not counted in ClinVar's aggregate classification.

Victorian Clinical Genetics Services, Murdoch Childrens Research Institute
Classification: Pathogenic for Cystic fibrosis. Last evaluated: 2026-06-11. Review status: criteria provided, single submitter. Criteria: ACMG Guidelines, 2015. Collection method: clinical testing. Allele origin: germline. Affected: no. Not counted in ClinVar's aggregate classification.
Comment: This variant is classified as Pathogenic. Evidence in support of pathogenic classification: Variant is present in gnomAD <0.01 for a recessive condition (v4: 165 heterozygote(s), 0 homozygote(s)); This variant has strong previous evidence of pathogenicity in unrelated individuals. This variant has been classified as pathogenic for cystic fibrosis by the CFTR2 expert panel (ClinVar). This variant has been reported in multiple individuals with cystic fibrosis including homozygous zygosity, in which patients with this variant are indicated to be pancreatic sufficient (ClinVar, CFTR2, PMID: 26795017); Missense variant predicted to be damaging by in silico tool(s) or highly conserved with a major amino acid change. Additional information: Variant is predicted to result in a missense amino acid change from Arg to Cys; This variant is heterozygous; This gene is associated with autosomal recessive disease; Alternative amino acid change(s) at the same position has been observed in gnomAD (highest allele count: v4: 3433 heterozygote(s), 6 homozygote(s)). - Variant is located in the annotated ABC transporter domain (DECIPHER); Loss of function is a known mechanism of disease in this gene and is associated with cystic fibrosis (CF) (MIM#219700).

Labcorp Genetics (formerly Invitae), Labcorp
Classification: Pathogenic for Cystic fibrosis. Last evaluated: 2026-01-22. Review status: criteria provided, single submitter. Criteria: Invitae Variant Classification Sherloc (09022015). Collection method: clinical testing. Allele origin: germline. Not counted in ClinVar's aggregate classification.
Comment: This sequence change replaces arginine, which is basic and polar, with cysteine, which is neutral and slightly polar, at codon 117 of the CFTR protein (p.Arg117Cys). This variant is present in population databases (rs77834169, gnomAD 0.04%). This missense change has been observed in individual(s) with congenital bilateral absence of the vas deferens and/or cystic fibrosis (PMID: 7525450, 7529962, 11788090, 15482777, 21520337, 21783433, 22658665, 23974870, 24586523). In at least one individual the data is consistent with being in trans (on the opposite chromosome) from a pathogenic variant. ClinVar contains an entry for this variant (Variation ID: 48688). Invitae Evidence Modeling of protein sequence and biophysical properties (such as structural, functional, and spatial information, amino acid conservation, physicochemical variation, residue mobility, and thermodynamic stability) indicates that this missense variant is expected to disrupt CFTR protein function with a positive predictive value of 80%. Experimental studies have shown that this missense change affects CFTR function (PMID: 18449561, 20932301, 23891399, 23974870). For these reasons, this variant has been classified as Pathogenic.

Natera, Inc.
Classification: Pathogenic for CFTR-related disorders. Last evaluated: 2025-11-03. Review status: criteria provided, single submitter. Criteria: Natera Variant Classification Schema (03/2026). Collection method: clinical testing. Allele origin: germline. Not counted in ClinVar's aggregate classification.
Comment: The c.349C>T variant in CFTR is a missense variant predicted to cause substitution of arginine to cysteine at amino acid 117. This variant is rare in the general population with a frequency below the threshold expected for the associated phenotype(s). This variant has been observed in one or more individuals affected with the associated recessive disease, as either homozygous or compound heterozygous with a second variant (PMID: 30888834). A different variant at the same position has been determined to be Pathogenic or Likely Pathogenic. Computational prediction algorithms indicate this variant is likely to affect gene or protein function. Given the available evidence, this variant is classified as Pathogenic.

NM_000492.4(CFTR):c.349C>T (p.Arg117Cys)

Gene: CFTR (CF transmembrane conductance regulator; plus strand). Cytogenetic location: 7q31.2.
Variant type: single nucleotide variant.
Coding change: c.349C>T on transcript NM_000492.4 (MANE Select); coding-DNA position 349, C replaced by T.
Protein change: p.Arg117Cys; replaces arginine 117 with cysteine.
Molecular consequence: missense variant.
Genome position (GRCh38, 1-based): chr7:117,530,974, C>T. VCF-style: chr7-117530974-C-T. GRCh37 (hg19) VCF-style: chr7-117171028-C-T.
Other names: short protein forms R117C.
Identifiers: ClinVar variation 48688 (VCV000048688.70), dbSNP rs77834169, ClinGen allele CA328115.